The following is an entry in ClinVar:

ClinVar aggregate classification (germline): Uncertain significance (1 of 4 stars; one submission).

Conditions:
Pancreatic adenocarcinoma. Identifiers: MedGen C0281361, MONDO:0006047, HP:0006725.

Submission:

Labcorp Genetics (formerly Invitae), Labcorp
Classification: Uncertain significance for Pancreatic adenocarcinoma. Last evaluated: 2023-12-18. Review status: criteria provided, single submitter. Criteria: Invitae Variant Classification Sherloc (09022015). Collection method: clinical testing. Allele origin: unknown.
Comment: A gross deletion of the genomic region encompassing the full coding sequence of the PALLD gene has been identified. The current clinical and genetic evidence is not sufficient to establish whether loss-of-function variants in PALLD cause disease. The boundaries of this event are unknown as they extend beyond the assayed region for this gene and therefore may encompass additional genes. This variant has not been reported in the literature in individuals affected with PALLD-related conditions. In summary, the available evidence is currently insufficient to determine the role of this variant in disease. Therefore, it has been classified as a Variant of Uncertain Significance.

NC_000004.11:g.(?_169799043)_(169847536_?)del

Gene: PALLD (palladin, cytoskeletal associated protein; plus strand). Cytogenetic location: 4q32.3.
Variant type: Deletion.
Identifiers: ClinVar variation 3246695 (VCV003246695.1).